The following is an entry in ClinVar:

ClinVar aggregate classification (germline): Conflicting classifications of pathogenicity. Review status: criteria provided, conflicting classifications (1 of 4 stars). 2 submissions from 2 submitters: Uncertain significance (1); Likely benign (1). Last evaluated 2025-11-18.

Conditions:
POLD1-related polyposis and colorectal cancer syndrome (CRCS10). Also called: Colorectal cancer 10; COLORECTAL CANCER, SUSCEPTIBILITY TO, ON CHROMOSOME 19q; Colorectal cancer, susceptibility to, 10. Identifiers: Orphanet 220460, MedGen C2675481, MONDO:0012953, OMIM 612591.
Hereditary cancer-predisposing syndrome. Also called: Tumor predisposition; Neoplastic Syndromes, Hereditary; Hereditary Cancer Syndrome; Hereditary neoplastic syndrome. Identifiers: Orphanet 140162, MedGen C0027672, MeSH D009386, MONDO:0015356.

Submissions (2):

Labcorp Genetics (formerly Invitae), Labcorp
Classification: Likely benign for POLD1-related polyposis and colorectal cancer syndrome. Last evaluated: 2025-11-18. Review status: criteria provided, single submitter. Criteria: Invitae Variant Classification Sherloc (09022015). Collection method: clinical testing. Allele origin: germline.

Ambry Genetics
Classification: Uncertain significance for Hereditary cancer-predisposing syndrome. Last evaluated: 2025-06-24. Review status: criteria provided, single submitter. Criteria: Ambry Variant Classification Scheme 2023. Collection method: clinical testing. Allele origin: germline.
Comment: The c.1776-5C>T intronic variant results from a C to T substitution 5 nucleotides upstream from coding exon 14 in the POLD1 gene. This nucleotide position is not well conserved in available vertebrate species. In silico splice site analysis predicts that this alteration will not have any significant effect on splicing. Based on the available evidence, the clinical significance of this variant remains unclear.

NM_002691.4(POLD1):c.1776-5C>T

Gene: POLD1 (DNA polymerase delta 1, catalytic subunit; plus strand). Cytogenetic location: 19q13.33.
Variant type: single nucleotide variant.
Coding change: c.1776-5C>T on transcript NM_002691.4 (MANE Select); 5 bases into the intron before coding-DNA position 1776, C replaced by T.
Molecular consequence: intron variant. On other transcripts: missense variant (1).
Genome position (GRCh38, 1-based): chr19:50,408,780, C>T. VCF-style: chr19-50408780-C-T. GRCh37 (hg19) VCF-style: chr19-50912037-C-T.
Other names: c.1776-5C>T (NM_002691.2, NM_001256849.1); c.1849C>T, p.Pro617Ser (NM_001308632.1); short protein forms P617S.
Identifiers: ClinVar variation 2084377 (VCV002084377.5), dbSNP rs960420023, ClinGen allele CA309602005.
Genomic context (GRCh38, chr19:50,408,780, plus strand): 5'-GACAGGGCGGGGGCGGCATGGGAACTCCTAGCCCTGACTCCCGGCCGCGGCTGCTCCCCT[C>T]CCAGGTACTACGACGTCCCCATCGCCACCCTGGACTTCTCCTCGCTGTACCCGTCCATCA-3'